The following is an entry in ClinVar:

ClinVar aggregate classification (germline): Benign/Likely benign. Review status: criteria provided, multiple submitters, no conflicts (2 of 4 stars). 3 submissions from 3 submitters: Benign (1); Likely benign (2). Last evaluated 2026-05-20.

Conditions:
Neurofibromatosis, type 1 (NF1). Also called: VON RECKLINGHAUSEN DISEASE; Neurofibromatosis, type I; NEUROFIBROMATOSIS, TYPE I, SOMATIC; Peripheral type neurofibromatosis. Identifiers: Orphanet 636, MedGen C0027831, MONDO:0018975, OMIM 162200. Disease mechanism: loss of function.
Hereditary cancer-predisposing syndrome. Also called: Neoplastic Syndromes, Hereditary; Tumor predisposition; Hereditary Cancer Syndrome; Hereditary neoplastic syndrome. Identifiers: Orphanet 140162, MedGen C0027672, MeSH D009386, MONDO:0015356.
Cardiovascular phenotype. Identifiers: MedGen CN230736.

Submissions (3):

Myriad Genetics, Inc.
Classification: Benign for Neurofibromatosis, type 1. Last evaluated: 2026-05-20. Review status: criteria provided, single submitter. Criteria: Myriad Autosomal Dominant, Autosomal Recessive and X-Linked Classification Criteria (2023). Collection method: clinical testing. Allele origin: unknown.
Comment: This variant is considered benign. This variant is a silent/synonymous amino acid change and it is not expected to impact splicing.

Labcorp Genetics (formerly Invitae), Labcorp
Classification: Likely benign for Neurofibromatosis, type 1. Last evaluated: 2021-06-05. Review status: criteria provided, single submitter. Criteria: Invitae Variant Classification Sherloc (09022015). Collection method: clinical testing. Allele origin: germline.

Ambry Genetics
Classification: Likely benign for Cardiovascular phenotype; Hereditary cancer-predisposing syndrome. Last evaluated: 2020-03-03. Review status: criteria provided, single submitter. Criteria: Ambry Variant Classification Scheme 2023. Collection method: clinical testing. Allele origin: germline.

NM_001042492.3(NF1):c.5274T>C (p.Gly1758=)

Gene: NF1 (neurofibromin 1; plus strand). Cytogenetic location: 17q11.2.
Variant type: single nucleotide variant.
Coding change: c.5274T>C on transcript NM_001042492.3 (MANE Select); coding-DNA position 5274, T replaced by C.
Protein change: p.Gly1758=; no amino-acid change (glycine 1758 retained).
Molecular consequence: synonymous variant.
Genome position (GRCh38, 1-based): chr17:31,327,504, T>C. VCF-style: chr17-31327504-T-C. GRCh37 (hg19) VCF-style: chr17-29654522-T-C.
Other names: c.5211T>C, p.Gly1737= (NM_000267.4).
Identifiers: ClinVar variation 1547647 (VCV001547647.11), dbSNP rs2151540780, ClinGen allele CA499233282.